The following is an entry in ClinVar:

ClinVar aggregate classification (germline): Benign (1 of 4 stars; one submission).

Conditions:
Intellectual developmental disorder, X-linked 93. Also called: MENTAL RETARDATION, X-LINKED, WITH MACROCEPHALY; Intellectual disability, X-linked 93. Identifiers: MedGen C1970841, MONDO:0010393, OMIM 300659.

Allele frequency attached by ClinVar (database versions not stated): gnomAD 0.00162 and 0.00163; 1000 Genomes Project 30x 0.00146; 1000 Genomes Project 0.00132; TOPMed 0.00156.

Submission:

Illumina Laboratory Services, Illumina
Classification: Benign for Intellectual developmental disorder, X-linked 93. Last evaluated: 2018-01-13. Review status: criteria provided, single submitter. Criteria: ICSL Variant Classification Criteria 13 December 2019. Collection method: clinical testing. Allele origin: germline.
Comment: This variant was observed in the ICSL laboratory as part of a predisposition screen in an ostensibly healthy population. It had not been previously curated by ICSL or reported in the Human Gene Mutation Database (HGMD: prior to June 1st, 2018), and was therefore a candidate for classification through an automated scoring system. Utilizing variant allele frequency, disease prevalence and penetrance estimates, and inheritance mode, an automated score was calculated to assess if this variant is too frequent to cause the disease. Based on the score and internal cut-off values, a variant classified as benign is not then subjected to further curation. The score for this variant resulted in a classification of benign for this disease.

NM_153252.5(BRWD3):c.*4809T>G

Gene: BRWD3 (bromodomain and WD repeat domain containing 3; minus strand). Cytogenetic location: Xq21.1.
Variant type: single nucleotide variant.
Coding change: c.*4809T>G on transcript NM_153252.5 (MANE Select); 4809 bases downstream of the stop codon, T replaced by G.
Molecular consequence: 3 prime UTR variant.
Genome position (GRCh38, 1-based): chrX:80,671,800, A>C on the plus strand (T>G on the coding strand, the complement: BRWD3 is on the minus strand). VCF-style: chrX-80671800-A-C. GRCh37 (hg19) VCF-style: chrX-79927299-A-C.
Identifiers: ClinVar variation 368695 (VCV000368695.5), dbSNP rs41311569, ClinGen allele CA10654069.